The following is an entry in ClinVar:

NM_033337.3(CAV3):c.171G>A (p.Val57=)

Genes: CAV3 (caveolin 3; plus strand), OXTR (oxytocin receptor; minus strand). Cytogenetic location: 3p25.3.
Variant type: single nucleotide variant.
Coding change: c.171G>A on transcript NM_033337.3 (MANE Select); coding-DNA position 171, G replaced by A.
Protein change: p.Val57=; no amino-acid change (valine 57 retained).
Molecular consequence: synonymous variant.
Genome position (GRCh38, 1-based): chr3:8,745,582, G>A. VCF-style: chr3-8745582-G-A. GRCh37 (hg19) VCF-style: chr3-8787268-G-A.
Other names: p.Val57=; c.171G>A, p.Val57= (NM_001234.5).
Identifiers: ClinVar variation 31714 (VCV000031714.42), dbSNP rs61147808, ClinGen allele CA138563.
Genomic context (GRCh38, chr3:8,745,582, plus strand): 5'-GCAGGTGGATTTTGAAGACGTGATCGCAGAGCCTGTGGGCACCTACAGCTTTGACGGCGT[G>A]TGGAAGGTGAGCTACACCACCTTCACTGTCTCCAAGTACTGGTGCTACCGTCTGTTGTCC-3'
Protein context (NP_203123.1, residues 47-67): EPVGTYSFDG[Val57=]WKVSYTTFTV

ClinVar aggregate classification (germline): Benign/Likely benign. Review status: criteria provided, multiple submitters, no conflicts (2 of 4 stars). 20 submissions from 20 submitters: Benign (11); Likely benign (3). 6 of the submissions do not count toward it. Last evaluated 2026-02-03.

Conditions:
Cardiovascular phenotype. Identifiers: MedGen CN230736.
Cardiomyopathy (CMYO). Also called: Cardiomyopathies. Identifiers: Orphanet 167848, MedGen C0878544, MONDO:0004994, HP:0001638. Inheritance: Various modes of inheritance.
Long QT syndrome (LQTS). Identifiers: MedGen C0023976, MeSH D008133, MONDO:0002442. Disease mechanism: loss of function. Inheritance: Various modes of inheritance.
Caveolinopathy. Identifiers: Orphanet 207078, MedGen C5679790, MONDO:0016146.

Allele frequency attached by ClinVar (database versions not stated): 1000 Genomes Project 30x 0.02295; gnomAD exomes 0.00146 and 0.00406; ExAC 0.00505; gnomAD 0.01532 and 0.01628; TOPMed 0.01722; 1000 Genomes Project 0.02097; ESP Exome Variant Server 0.01853.
gnomAD v4.1: 4,545 of 1,614,140 alleles (0.28%); highest among the groups gnomAD compares: African/African-American, 5.2%; 131 homozygotes.

Submissions (20):

Labcorp Genetics (formerly Invitae), Labcorp
Classification: Benign for Long QT syndrome. Last evaluated: 2026-02-03. Review status: criteria provided, single submitter. Criteria: Invitae Variant Classification Sherloc (09022015). Collection method: clinical testing. Allele origin: germline.

Blueprint Genetics
Classification: Likely benign. Last evaluated: 2024-11-25. Review status: criteria provided, single submitter. Criteria: ACMG Guidelines, 2015. Collection method: clinical testing. Allele origin: germline.

ARUP Laboratories, Molecular Genetics and Genomics, ARUP Laboratories
Classification: Benign. Last evaluated: 2021-05-07. Review status: criteria provided, single submitter. Criteria: ARUP Molecular Germline Variant Investigation Process 2021. Collection method: clinical testing. Allele origin: germline.

Mayo Clinic Laboratories, Mayo Clinic
Classification: Benign. Last evaluated: 2019-07-25. Review status: criteria provided, single submitter. Criteria: ACMG Guidelines, 2015. Collection method: clinical testing. Allele origin: germline. Observed: 23 variant alleles.

Athena Diagnostics
Classification: Benign. Last evaluated: 2017-04-28. Review status: criteria provided, single submitter. Criteria: Athena Diagnostics Criteria. Collection method: clinical testing. Allele origin: unknown.

Illumina Laboratory Services, Illumina
Classification: Likely benign for Caveolinopathy. Last evaluated: 2017-04-27. Review status: criteria provided, single submitter. Criteria: ICSL Variant Classification Criteria 13 December 2019. Collection method: clinical testing. Allele origin: germline.
Comment: This variant was observed as part of a predisposition screen in an ostensibly healthy population. A literature search was performed for the gene, cDNA change, and amino acid change (where applicable). No publications were found based on this search. Allele frequency data from public databases allowed determination this variant is unlikely to cause disease. Therefore, this variant is classified as likely benign.

Women's Health and Genetics/Laboratory Corporation of America, LabCorp
Classification: Benign. Last evaluated: 2017-03-20. Review status: criteria provided, single submitter. Criteria: LabCorp Variant Classification Summary - May 2015. Collection method: clinical testing. Allele origin: germline.
Comment: Variant summary: The CAV3 c.171G>A (p.Val57Val) variant involves the alteration of a non-conserved nucleotide, resulting in a synonymous change. One in silico tool predicts a polymorphism outcome for this variant. 5/5 splice prediction tools predict no significant impact on normal splicing. ESE finder predicts that this variant may affect multiple ESE sites. However, these predictions have yet to be confirmed by functional studies. This variant was found in 611/121006 control chromosomes (26 homozygotes) at a frequency of 0.0050493, which is approximately 202 times the estimated maximal expected allele frequency of a pathogenic CAV3 variant (0.000025), suggesting this variant is likely a benign polymorphism. In addition, multiple clinical diagnostic laboratories/reputable databases classified this variant as benign/likely benign. Taken together, this variant is classified as benign.

CHEO Genetics Diagnostic Laboratory, Children's Hospital of Eastern Ontario
Classification: Benign for Cardiomyopathy. Last evaluated: 2015-11-19. Review status: criteria provided, single submitter. Criteria: ACMG Guidelines, 2015. Collection method: clinical testing. Allele origin: germline. Study: Canadian Open Genetics Repository.

Ambry Genetics
Classification: Benign for Cardiovascular phenotype. Last evaluated: 2015-07-15. Review status: criteria provided, single submitter. Criteria: Ambry Variant Classification Scheme 2023. Collection method: clinical testing. Allele origin: germline.

GeneDx
Classification: Benign. Last evaluated: 2015-03-03. Review status: criteria provided, single submitter. Criteria: GeneDx Variant Classification Process June 2021. Collection method: clinical testing. Allele origin: germline. Affected: yes.

Eurofins Ntd Llc (ga)
Classification: Benign. Last evaluated: 2013-07-24. Review status: criteria provided, single submitter. Criteria: EGL Classification Definitions 2015. Collection method: clinical testing. Allele origin: germline. Observed: 4 variant alleles, 4 heterozygotes.

Laboratory for Molecular Medicine, Mass General Brigham Personalized Medicine
Classification: Benign. Last evaluated: 2012-05-10. Review status: criteria provided, single submitter. Criteria: LMM Criteria. Collection method: clinical testing. Allele origin: germline. Observed: 17 variant alleles.
Comment: Val57Val in exon 2 of CAV3: This variant is not expected to have clinical signif icance because it has been identified in 5.1% (193/3738) of African American chr omosomes from a broad population by the NHLBI Exome Sequencing Project (dbSNP rs61147808)

Breakthrough Genomics
Classification: Likely benign. Review status: criteria provided, single submitter. Criteria: ACMG Guidelines, 2015. Collection method: not provided. Allele origin: germline. Inheritance: Autosomal recessive inheritance. Affected: yes.

PreventionGenetics, part of Exact Sciences
Classification: Benign. Review status: criteria provided, single submitter. Criteria: ACMG Guidelines, 2015. Collection method: clinical testing. Allele origin: germline.

Leiden Muscular Dystrophy (CAV3)
No classification provided. Last evaluated: 2012-04-15. Review status: no classification provided. Collection method: curation. Allele origin: germline. Not counted in ClinVar's aggregate classification.

Clinical Genetics DNA and cytogenetics Diagnostics Lab, Erasmus MC, Erasmus Medical Center
Classification: Benign. Review status: no assertion criteria provided. Collection method: clinical testing. Allele origin: germline. Affected: yes. Study: VKGL Data-share Consensus. Not counted in ClinVar's aggregate classification.

Clinical Genetics, Academic Medical Center
Classification: Benign. Review status: no assertion criteria provided. Collection method: clinical testing. Allele origin: germline. Affected: yes. Study: VKGL Data-share Consensus. Not counted in ClinVar's aggregate classification.

Genetic Services Laboratory, University of Chicago
Classification: Likely benign for AllHighlyPenetrant. Review status: no assertion criteria provided. Collection method: clinical testing. Allele origin: germline. Inheritance: Autosomal dominant inheritance. Not counted in ClinVar's aggregate classification.
Comment: Likely benign based on allele frequency in 1000 Genomes Project or ESP global frequency and its presence in a patient with a rare or unrelated disease phenotype. NOT Sanger confirmed.

Joint Genome Diagnostic Labs from Nijmegen and Maastricht, Radboudumc and MUMC+
Classification: Benign. Review status: no assertion criteria provided. Collection method: clinical testing. Allele origin: germline. Affected: yes. Study: VKGL Data-share Consensus. Not counted in ClinVar's aggregate classification.

Laboratory of Diagnostic Genome Analysis, Leiden University Medical Center (LUMC)
Classification: Likely benign. Review status: no assertion criteria provided. Collection method: clinical testing. Allele origin: germline. Affected: yes. Study: VKGL Data-share Consensus. Not counted in ClinVar's aggregate classification.

Literature cited by the submitters: PubMed 11251997 (cited by Women's Health and Genetics/Laboratory Corporation of America, LabCorp).